The following is an entry in ClinVar:

NM_176787.5(PIGN):c.1968G>A (p.Gln656=)

Gene: PIGN (phosphatidylinositol glycan anchor biosynthesis class N; minus strand). Cytogenetic location: 18q21.33.
Variant type: single nucleotide variant.
Coding change: c.1968G>A on transcript NM_176787.5 (MANE Select); coding-DNA position 1968, G replaced by A.
Protein change: p.Gln656=; no amino-acid change (glutamine 656 retained).
Molecular consequence: synonymous variant.
Genome position (GRCh38, 1-based): chr18:62,102,794, C>T on the plus strand (G>A on the coding strand, the complement: PIGN is on the minus strand). VCF-style: chr18-62102794-C-T. GRCh37 (hg19) VCF-style: chr18-59770027-C-T.
Other names: c.1968G>A, p.Gln656= (NM_012327.6).
Identifiers: ClinVar variation 1307771 (VCV001307771.2), dbSNP rs1470358131, ClinGen allele CA504066689.

ClinVar aggregate classification (germline): Uncertain significance (1 of 4 stars; one submission).

Allele frequency attached by ClinVar (database versions not stated): gnomAD exomes below 0.00001 and 0.00001.
gnomAD v4.1: 4 of 1,407,296 alleles (0.00028%); highest among the groups gnomAD compares: Non-Finnish European, 0.00039%; no homozygotes.

Submission:

GeneDx
Classification: Uncertain significance. Last evaluated: 2019-08-13. Review status: criteria provided, single submitter. Criteria: GeneDx Variant Classification Process June 2021. Collection method: clinical testing. Allele origin: germline. Affected: yes.
Comment: Not observed at a significant frequency in large population cohorts (Lek et al., 2016); Has not been previously published as pathogenic or benign to our knowledge